The following is an entry in ClinVar:

NM_000454.5(SOD1):c.364G>A (p.Glu122Lys)

Gene: SOD1 (superoxide dismutase 1; plus strand). Cytogenetic location: 21q22.11.
Variant type: single nucleotide variant.
Coding change: c.364G>A on transcript NM_000454.5 (MANE Select); coding-DNA position 364, G replaced by A.
Protein change: p.Glu122Lys; replaces glutamic acid 122 with lysine.
Molecular consequence: missense variant.
Genome position (GRCh38, 1-based): chr21:31,668,477, G>A. VCF-style: chr21-31668477-G-A. GRCh37 (hg19) VCF-style: chr21-33040790-G-A.
Other names: short protein forms E122K.
Identifiers: ClinVar variation 3637818 (VCV003637818.2).
Genomic context (GRCh38, chr21:31,668,477, plus strand): 5'-AGGAGGTAGTGATTACTTGACAGCCCAAAGTTATCTTCTTAAAATTTTTTACAGGTCCAT[G>A]AAAAAGCAGATGACTTGGGCAAAGGTGGAAATGAAGAAAGTACAAAGACAGGAAACGCTG-3'
Protein context (NP_000445.1, residues 112-132): CIIGRTLVVH[Glu122Lys]KADDLGKGGN

ClinVar aggregate classification (germline): Likely pathogenic (1 of 4 stars; one submission).

Conditions:
Amyotrophic lateral sclerosis type 1 (ALS1). Also called: AMYOTROPHIC LATERAL SCLEROSIS 1, FAMILIAL. Identifiers: Orphanet 803, MedGen C1862939, MONDO:0007103, OMIM 105400.

Submission:

Labcorp Genetics (formerly Invitae), Labcorp
Classification: Likely pathogenic for Amyotrophic lateral sclerosis type 1. Last evaluated: 2024-12-09. Review status: criteria provided, single submitter. Criteria: Invitae Variant Classification Sherloc (09022015). Collection method: clinical testing. Allele origin: germline.
Comment: This sequence change replaces glutamic acid, which is acidic and polar, with lysine, which is basic and polar, at codon 122 of the SOD1 protein (p.Glu122Lys). This variant is not present in population databases (gnomAD no frequency). This variant has not been reported in the literature in individuals affected with SOD1-related conditions. Invitae Evidence Modeling of protein sequence and biophysical properties (such as structural, functional, and spatial information, amino acid conservation, physicochemical variation, residue mobility, and thermodynamic stability) indicates that this missense variant is expected to disrupt SOD1 protein function with a positive predictive value of 95%. This variant disrupts the p.Glu122 amino acid residue in SOD1. Other variant(s) that disrupt this residue have been determined to be pathogenic (PMID: 25299943, 25336041, 27494151, 37265463). This suggests that this residue is clinically significant, and that variants that disrupt this residue are likely to be disease-causing. In summary, the currently available evidence indicates that the variant is pathogenic, but additional data are needed to prove that conclusively. Therefore, this variant has been classified as Likely Pathogenic.

Literature cited by the submitters: PubMed 25299943; PubMed 25336041; PubMed 27494151; PubMed 37265463.